The following is an entry in ClinVar:

NM_001040142.2(SCN2A):c.5684C>G (p.Pro1895Arg)

Gene: SCN2A (sodium voltage-gated channel alpha subunit 2; plus strand). Cytogenetic location: 2q24.3.
Variant type: single nucleotide variant.
Coding change: c.5684C>G on transcript NM_001040142.2 (MANE Select); coding-DNA position 5684, C replaced by G.
Protein change: p.Pro1895Arg; replaces proline 1895 with arginine.
Molecular consequence: missense variant.
Genome position (GRCh38, 1-based): chr2:165,389,490, C>G. VCF-style: chr2-165389490-C-G. GRCh37 (hg19) VCF-style: chr2-166246000-C-G.
Other names: c.5684C>G, p.Pro1895Arg (NM_001040143.2, NM_001371246.1, NM_001371247.1 and 1 more transcripts); short protein forms P1895R.
Identifiers: ClinVar variation 4976578 (VCV004976578.1).

ClinVar aggregate classification (germline): Uncertain significance (1 of 4 stars; one submission).

Submission:

GeneDx
Classification: Uncertain significance. Last evaluated: 2026-02-25. Review status: criteria provided, single submitter. Criteria: GeneDx Variant Classification Process June 2021. Collection method: clinical testing. Allele origin: germline.
Comment: Not observed at significant frequency in large population cohorts (gnomAD); In silico analysis supports that this missense variant has a deleterious effect on protein structure/function; Has not been previously published as pathogenic or benign to our knowledge; This substitution is predicted to be within the C-terminal cytoplasmic domain